The following is an entry in ClinVar:

NM_173477.5(USH1G):c.801G>A (p.Trp267Ter)

Gene: USH1G (USH1 protein network component sans; minus strand). Cytogenetic location: 17q25.1.
Variant type: single nucleotide variant.
Coding change: c.801G>A on transcript NM_173477.5 (MANE Select); coding-DNA position 801, G replaced by A.
Protein change: p.Trp267Ter; replaces tryptophan 267 with a stop codon.
Molecular consequence: nonsense.
Genome position (GRCh38, 1-based): chr17:74,920,035, C>T on the plus strand (G>A on the coding strand, the complement: USH1G is on the minus strand). VCF-style: chr17-74920035-C-T. GRCh37 (hg19) VCF-style: chr17-72916130-C-T.
Other names: c.492G>A, p.Trp164Ter (NM_001282489.3); short protein forms W164*, W267*.
Identifiers: ClinVar variation 3601028 (VCV003601028.1).

ClinVar aggregate classification (germline): Pathogenic (1 of 4 stars; one submission).

Conditions:
Usher syndrome type 1G. Also called: USHER SYNDROME, TYPE IG, MILD. Identifiers: Orphanet 231169, Orphanet 886, MedGen C1847089, MONDO:0011748, OMIM 606943.

Submission:

Institute of Rare Diseases, West China Hospital, Sichuan University
Classification: Pathogenic for Usher syndrome type 1G. Last evaluated: 2025-01-09. Review status: criteria provided, single submitter. Criteria: ClinGen HL ACMG Specifications v1. Collection method: research. Allele origin: germline. Affected: yes.
Comment: PVS1;PM3;PM2_Supporting